The following is an entry in ClinVar:

ClinVar aggregate classification (germline): Uncertain significance. Review status: criteria provided, multiple submitters, no conflicts (2 of 4 stars). 2 submissions from 2 submitters: Uncertain significance (2). Last evaluated 2026-02-05.

Conditions:
Inborn genetic diseases. Identifiers: MedGen C0950123, MeSH D030342.

gnomAD v4.1: 3 of 1,613,630 alleles (0.00019%); highest among the groups gnomAD compares: Non-Finnish European, 0.00025%; no homozygotes.

Submissions (2):

GeneDx
Classification: Uncertain significance. Last evaluated: 2026-02-05. Review status: criteria provided, single submitter. Criteria: GeneDx Variant Classification Process June 2021. Collection method: clinical testing. Allele origin: germline.
Comment: Not observed at significant frequency in large population cohorts (gnomAD); In silico analysis supports that this missense variant has a deleterious effect on protein structure/function; Has not been previously published as pathogenic or benign to our knowledge

Ambry Genetics
Classification: Uncertain significance for Inborn genetic diseases. Last evaluated: 2025-12-03. Review status: criteria provided, single submitter. Criteria: Ambry Variant Classification Scheme 2023. Collection method: clinical testing. Allele origin: germline.

NM_001374353.1(GLI2):c.1495C>A (p.Arg499Ser)

Gene: GLI2 (GLI family zinc finger 2; plus strand). Cytogenetic location: 2q14.2.
Variant type: single nucleotide variant.
Coding change: c.1495C>A on transcript NM_001374353.1 (MANE Select); coding-DNA position 1495, C replaced by A.
Protein change: p.Arg499Ser; replaces arginine 499 with serine.
Molecular consequence: missense variant.
Genome position (GRCh38, 1-based): chr2:120,982,743, C>A. VCF-style: chr2-120982743-C-A. GRCh37 (hg19) VCF-style: chr2-121740319-C-A.
Other names: c.1546C>A, p.Arg516Ser (NM_001371271.1, NM_005270.5); c.1120C>A, p.Arg374Ser (NM_001374354.1); short protein forms R499S, R516S, R374S.
Identifiers: ClinVar variation 4620877 (VCV004620877.2).
Genomic context (GRCh38, chr2:120,982,743, plus strand): 5'-GGTGCCTTGACTGACTGAACCGCCTCCTTCTAGTTCGAGGGCTGCTCGAAGGCCTACTCC[C>A]GCCTGGAGAACCTGAAGACACACCTGCGGTCCCACACCGGGGAGAAGCCATATGTGTGTG-3'
Protein context (NP_001361282.1, residues 489-509): TFEGCSKAYS[Arg499Ser]LENLKTHLRS